The following is an entry in ClinVar:

ClinVar aggregate classification (germline): Likely benign. Review status: criteria provided, multiple submitters, no conflicts (2 of 4 stars). 2 submissions from 2 submitters: Likely benign (2). Last evaluated 2018-01-12.

Conditions:
Dyskeratosis congenita. Identifiers: Orphanet 1775, MedGen C0265965, MONDO:0015780.

Allele frequency attached by ClinVar (database versions not stated): gnomAD 0.00034; TOPMed 0.00039; gnomAD exomes 0.00054; 1000 Genomes Project 30x 0.00094; 1000 Genomes Project 0.00100.

Submissions (2):

Illumina Laboratory Services, Illumina
Classification: Likely benign for Dyskeratosis congenita. Last evaluated: 2018-01-12. Review status: criteria provided, single submitter. Criteria: ICSL Variant Classification Criteria 13 December 2019. Collection method: clinical testing. Allele origin: germline.
Comment: This variant was observed in the ICSL laboratory as part of a predisposition screen in an ostensibly healthy population. It had not been previously curated by ICSL or reported in the Human Gene Mutation Database (HGMD: prior to June 1st, 2018), and was therefore a candidate for classification through an automated scoring system. Utilizing variant allele frequency, disease prevalence and penetrance estimates, and inheritance mode, an automated score was calculated to assess if this variant is too frequent to cause the disease. Based on the score and internal cut-off values, a variant classified as likely benign is not then subjected to further curation. The score for this variant resulted in a classification of likely benign for this disease.

Breakthrough Genomics
Classification: Likely benign. Review status: criteria provided, single submitter. Criteria: ACMG Guidelines, 2015. Collection method: not provided. Allele origin: germline. Inheritance: Autosomal recessive inheritance. Affected: yes.

NM_025099.6(CTC1):c.*460C>T

Gene: CTC1 (CST telomere replication complex component 1; minus strand). Cytogenetic location: 17p13.1.
Variant type: single nucleotide variant.
Coding change: c.*460C>T on transcript NM_025099.6 (MANE Select); 460 bases downstream of the stop codon, C replaced by T.
Molecular consequence: 3 prime UTR variant. On other transcripts: non-coding transcript variant (1).
Genome position (GRCh38, 1-based): chr17:8,227,720, G>A on the plus strand (C>T on the coding strand, the complement: CTC1 is on the minus strand). VCF-style: chr17-8227720-G-A. GRCh37 (hg19) VCF-style: chr17-8131038-G-A.
Identifiers: ClinVar variation 891119 (VCV000891119.5), dbSNP rs371544637, ClinGen allele CA287528865.